The following is an entry in ClinVar:

NM_005689.4(ABCB6):c.2138C>T (p.Pro713Leu)

Gene: ABCB6 (ATP binding cassette subfamily B member 6 (LAN blood group); minus strand). Cytogenetic location: 2q35.
Variant type: single nucleotide variant.
Coding change: c.2138C>T on transcript NM_005689.4 (MANE Select); coding-DNA position 2138, C replaced by T.
Protein change: p.Pro713Leu; replaces proline 713 with leucine.
Molecular consequence: missense variant.
Genome position (GRCh38, 1-based): chr2:219,210,939, G>A on the plus strand (C>T on the coding strand, the complement: ABCB6 is on the minus strand). VCF-style: chr2-219210939-G-A. GRCh37 (hg19) VCF-style: chr2-220075661-G-A.
Other names: c.2000C>T, p.Pro667Leu (NM_001349828.2); short protein forms P667L, P713L.
Identifiers: ClinVar variation 3765604 (VCV003765604.1).

ClinVar aggregate classification (germline): Uncertain significance (1 of 4 stars; one submission).

gnomAD v4.1: 3 of 1,614,032 alleles (0.00019%); highest among the groups gnomAD compares: African/African-American, 0.004%; no homozygotes.

Submission:

Greenwood Genetic Center Diagnostic Laboratories, Greenwood Genetic Center
Classification: Uncertain significance. Last evaluated: 2024-07-05. Review status: criteria provided, single submitter. Criteria: ACMG Guidelines, 2015. Collection method: clinical testing. Allele origin: germline. Affected: yes.
Comment: PM1, PP3